The following is an entry in ClinVar:

NM_000169.3(GLA):c.734_742dup (p.Ser247_Phe248insTrpThrSer)

Genes: GLA (galactosidase alpha; minus strand), RPL36A-HNRNPH2 (RPL36A-HNRNPH2 readthrough; plus strand). Cytogenetic location: Xq22.1.
Variant type: Duplication.
Coding change: c.734_742dup on transcript NM_000169.3 (MANE Select); coding-DNA positions 734 to 742, 9 bases duplicated (GGACATCTT; older notation c.734_742dupGGACATCTT).
Protein change: p.Ser247_Phe248insTrpThrSer.
Molecular consequence: inframe insertion. On other transcripts: non-coding transcript variant (3), intron variant (2).
Genome position (GRCh38, 1-based): chrX:101,398,844-101,398,852, AAGATGTCC duplicated on the plus strand (GGACATCTT on the coding strand, the reverse complement: GLA is on the minus strand); duplicating any 9 consecutive bases within chrX:101,398,844-101,398,853 gives the same sequence; the c. name uses the placement nearest the transcript's 3' end. VCF-style (leftmost placement, unchanged base first): chrX-101398843-A-AAAGATGTCC. GRCh37 (hg19) VCF-style: chrX-100653831-A-AAAGATGTCC.
Other names: c.857_865dup, p.Ser288_Phe289insTrpThrSer (NM_001406747.1); c.734_742dup, p.Ser247_Phe248insTrpThrSer (NM_001406748.1); c.300+3388_300+3396dup (NM_001199973.2); c.177+7023_177+7031dup (NM_001199974.2).
Identifiers: ClinVar variation 4087243 (VCV004087243.2).

ClinVar aggregate classification (germline): Likely pathogenic (1 of 4 stars; one submission).

Conditions:
Fabry disease. Also called: ALPHA-GALACTOSIDASE A DEFICIENCY; ANDERSON-FABRY DISEASE; CERAMIDE TRIHEXOSIDASE DEFICIENCY; GLA DEFICIENCY; HEREDITARY DYSTOPIC LIPIDOSIS; Angiokeratoma corporis diffusum. Identifiers: Orphanet 324, MedGen C0002986, MONDO:0010526, OMIM 301500, HP:0001071. Disease mechanism: Fabry disease is due to inactivating mutations in the X-linked GLA gene resulting in deficiency of the enzyme Alpha Galactosidase-A., loss of function.

Submission:

Genomenon, Inc
Classification: Likely pathogenic for Fabry disease. Last evaluated: 2026-09-08. Review status: criteria provided, single submitter. Criteria: Genomenon Sequence Variant Interpretation Standards - Updated. Collection method: curation. Allele origin: germline. Affected: yes.
Comment: GLA p.Trp245_Ser247dup (c.734_742dup) is an in-frame duplication variant that results in the duplication of multiple amino acids, from Tryptophan at codon 245 to Serine at codon 247. This variant has been observed in at least one proband with clinical features consistent with Fabry disease (PMID:9452111). At least one functional study has demonstrated a substantial alteration in protein function relative to the wild-type (PMID:27657681). It is absent or not present at a significant frequency in gnomAD. In conclusion, we classify GLA p.Trp245_Ser247dup (c.734_742dup) as a likely pathogenic variant.

Literature cited by the submitters: PubMed 9452111; PubMed 27657681.